The following is an entry in ClinVar:

NM_020964.3(EPG5):c.5479C>G (p.Pro1827Ala)

Gene: EPG5 (ectopic P-granules 5 autophagy tethering factor; minus strand). Cytogenetic location: 18q12.3.
Variant type: single nucleotide variant.
Coding change: c.5479C>G on transcript NM_020964.3 (MANE Select); coding-DNA position 5479, C replaced by G.
Protein change: p.Pro1827Ala; replaces proline 1827 with alanine.
Molecular consequence: missense variant.
Genome position (GRCh38, 1-based): chr18:45,882,313, G>C on the plus strand (C>G on the coding strand, the complement: EPG5 is on the minus strand). VCF-style: chr18-45882313-G-C. GRCh37 (hg19) VCF-style: chr18-43462278-G-C.
Other names: c.5479C>G, p.Pro1827Ala (LRG_1234t1); short protein forms P1827A.
Identifiers: ClinVar variation 626238 (VCV000626238.2), dbSNP rs1568118775, ClinGen allele CA402344642.

ClinVar aggregate classification (germline): Likely pathogenic (1 of 4 stars; one submission).

Conditions:
Vici syndrome (VICIS). Identifiers: Orphanet 1493, MedGen C1855772, MONDO:0009452, OMIM 242840.

Submission:

SIB Swiss Institute of Bioinformatics
Classification: Likely pathogenic for Vici syndrome. Last evaluated: 2019-01-17. Review status: criteria provided, single submitter. Criteria: ACMG Guidelines, 2015. Collection method: curation. Allele origin: unknown.
Comment: This variant is interpreted as a Likely pathogenic for Vici syndrome, autosomal recessive. The following ACMG Tag(s) were applied: PM2 => Absent from controls (or at extremely low frequency if recessive) in Exome Sequencing Project, 1000 Genomes Project, or Exome Aggregation Consortium. PM3 => For recessive disorders, detected in trans with a pathogenic variant (PMID:29130391). PS3-Moderate => PS3 downgraded in strength to Moderate (PMID:29130391).

ClinGen:CA402344642

Literature cited by the submitters: PubMed 29130391.